The following is an entry in ClinVar:

NM_020937.4(FANCM):c.1895G>A (p.Gly632Glu)

Gene: FANCM (FA complementation group M; plus strand). Cytogenetic location: 14q21.2.
Variant type: single nucleotide variant.
Coding change: c.1895G>A on transcript NM_020937.4 (MANE Select); coding-DNA position 1895, G replaced by A.
Protein change: p.Gly632Glu; replaces glycine 632 with glutamic acid.
Molecular consequence: missense variant.
Genome position (GRCh38, 1-based): chr14:45,167,056, G>A. VCF-style: chr14-45167056-G-A. GRCh37 (hg19) VCF-style: chr14-45636259-G-A.
Other names: c.1895G>A (NM_020937.2); c.1817G>A, p.Gly606Glu (NM_001308133.2); c.1895G>A, p.Gly632Glu (NM_001308134.2); short protein forms G606E, G632E.
Identifiers: ClinVar variation 1060843 (VCV001060843.11), dbSNP rs757274359, ClinGen allele CA259624179.

ClinVar aggregate classification (germline): Uncertain significance. Review status: criteria provided, multiple submitters, no conflicts (2 of 4 stars). 4 submissions from 4 submitters: Uncertain significance (4). Last evaluated 2025-09-01.

Conditions:
Inborn genetic diseases. Identifiers: MedGen C0950123, MeSH D030342.
Spermatogenic failure 28. Identifiers: MedGen C4748117, MONDO:0054732, OMIM 618086.
Premature ovarian failure 15. Identifiers: MedGen C4748170, MONDO:0054862, OMIM 618096.
Fanconi anemia (FA). Also called: Fanconi's anemia. Identifiers: Orphanet 84, MedGen C0015625, MeSH D005199, MONDO:0019391.

Allele frequency attached by ClinVar (database versions not stated): gnomAD 0.00001; TOPMed 0.00001.
gnomAD v4.1: 7 of 1,612,868 alleles (0.00043%); highest among the groups gnomAD compares: Admixed American, 0.01%; no homozygotes.

Submissions (4):

Ambry Genetics
Classification: Uncertain significance for Inborn genetic diseases. Last evaluated: 2025-09-01. Review status: criteria provided, single submitter. Criteria: Ambry Variant Classification Scheme 2023. Collection method: clinical testing. Allele origin: germline.
Comment: The p.G632E variant (also known as c.1895G>A), located in coding exon 11 of the FANCM gene, results from a G to A substitution at nucleotide position 1895. The glycine at codon 632 is replaced by glutamic acid, an amino acid with similar properties. This amino acid position is conserved. In addition, this alteration is predicted to be tolerated by in silico analysis. Based on the available evidence, the clinical significance of this variant remains unclear.

GeneDx
Classification: Uncertain significance. Last evaluated: 2022-09-23. Review status: criteria provided, single submitter. Criteria: GeneDx Variant Classification Process June 2021. Collection method: clinical testing. Allele origin: germline. Affected: yes.
Comment: Not observed at significant frequency in large population cohorts (gnomAD); In silico analysis supports that this missense variant has a deleterious effect on protein structure/function; Has not been previously published as pathogenic or benign to our knowledge

Fulgent Genetics
Classification: Uncertain significance for Spermatogenic failure 28; Premature ovarian failure 15. Last evaluated: 2021-12-19. Review status: criteria provided, single submitter. Criteria: ACMG Guidelines, 2015. Collection method: clinical testing. Allele origin: unknown.

Labcorp Genetics (formerly Invitae), Labcorp
Classification: Uncertain significance for Fanconi anemia. Last evaluated: 2020-12-04. Review status: criteria provided, single submitter. Criteria: Invitae Variant Classification Sherloc (09022015). Collection method: clinical testing. Allele origin: germline.
Comment: This variant is not present in population databases (ExAC no frequency). This sequence change replaces glycine with glutamic acid at codon 632 of the FANCM protein (p.Gly632Glu). The glycine residue is moderately conserved and there is a moderate physicochemical difference between glycine and glutamic acid. This variant has not been reported in the literature in individuals with FANCM-related conditions. Algorithms developed to predict the effect of missense changes on protein structure and function (SIFT, PolyPhen-2, Align-GVGD) all suggest that this variant is likely to be tolerated, but these predictions have not been confirmed by published functional studies and their clinical significance is uncertain. In summary, the available evidence is currently insufficient to determine the role of this variant in disease. Therefore, it has been classified as a Variant of Uncertain Significance.